The following is an entry in ClinVar:

ClinVar aggregate classification (germline): Uncertain significance (1 of 4 stars; one submission).

Conditions:
Familial melanoma. Also called: Hereditary melanoma; Hereditary cutaneous melanoma. Identifiers: Orphanet 618, MedGen C1512419, MONDO:0018961.

Submission:

Labcorp Genetics (formerly Invitae), Labcorp
Classification: Uncertain significance for Familial melanoma. Last evaluated: 2021-04-01. Review status: criteria provided, single submitter. Criteria: Invitae Variant Classification Sherloc (09022015). Collection method: clinical testing. Allele origin: germline.
Comment: This variant has not been reported in the literature in individuals with CDKN2A (p16INK4a)-related conditions. In summary, the available evidence is currently insufficient to determine the role of this variant in disease. Therefore, it has been classified as a Variant of Uncertain Significance. Algorithms developed to predict the effect of missense changes on protein structure and function (SIFT, PolyPhen-2, Align-GVGD) all suggest that this variant is likely to be tolerated, but these predictions have not been confirmed by published functional studies and their clinical significance is uncertain. This variant is not present in population databases (ExAC no frequency). This sequence change replaces leucine with arginine at codon 78 of the CDKN2A (p16INK4a) protein (p.Leu78Arg). The leucine residue is highly conserved and there is a moderate physicochemical difference between leucine and arginine.

NM_000077.5(CDKN2A):c.233T>G (p.Leu78Arg)

Gene: CDKN2A (cyclin dependent kinase inhibitor 2A; minus strand). Cytogenetic location: 9p21.3.
Variant type: single nucleotide variant.
Coding change: c.233T>G on transcript NM_000077.5; coding-DNA position 233, T replaced by G.
Protein change: p.Leu78Arg; replaces leucine 78 with arginine.
Molecular consequence: missense variant (on NM_000077.6). On other transcripts: synonymous variant (1), 3 prime UTR variant (1).
Genome position (GRCh38, 1-based): chr9:21,971,126, A>C on the plus strand (T>G on the coding strand, the complement: CDKN2A is on the minus strand). VCF-style: chr9-21971126-A-C. GRCh37 (hg19) VCF-style: chr9-21971125-A-C.
Other names: c.233T>G, p.Leu78Arg (NM_000077.6, NM_001195132.2); c.80T>G, p.Leu27Arg (NM_001363763.2); c.276T>G, p.Ser92= (NM_058195.4); c.*156T>G (NM_058197.5); short protein forms L27R, L78R.
Identifiers: ClinVar variation 1493577 (VCV001493577.8), dbSNP rs1554654118, ClinGen allele CA373086267.